The following is an entry in ClinVar:

ClinVar aggregate classification (germline): Pathogenic (3 of 4 stars; one submission).

Conditions:
Very long chain acyl-CoA dehydrogenase deficiency (ACADVLD). Also called: VLCAD Deficiency; Very Long-Chain Acyl-Coenzyme A Dehydrogenase Deficiency. Identifiers: Orphanet 26793, MedGen C3887523, MONDO:0008723, OMIM 201475.

Allele frequency attached by ClinVar (database versions not stated): gnomAD exomes below 0.00001.
gnomAD v4.1: 2 of 1,614,216 alleles (0.00012%); highest among the groups gnomAD compares: Non-Finnish European, 0.00017%; no homozygotes.

Submission:

ClinGen ACADVL Variant Curation Expert Panel, ClinGen
Classification: Pathogenic for Very long chain acyl-CoA dehydrogenase deficiency. Last evaluated: 2022-04-26. Review status: reviewed by expert panel. Criteria: clingen acadvl acmg specifications v1. Collection method: curation. Allele origin: germline. Inheritance: Autosomal recessive inheritance.
Comment: The c.277+1G>A variant in ACADVL occurs within the canonical splice donor/acceptor site (+/- 1,2) of intron 4. It is predicted to cause skipping of biologically-relevant-exon 4/20, resulting in a frameshift leading to nonsense mediated decay in a gene in which loss-of-function is an established disease mechanism (PVS1; PMIDs 9973285, 11590124). This variant has been detected in at least 2 individuals with a newborn screen consistent with very long chain acyl CoA dehydrogenase (VLCAD) deficiency. Of those individuals, one was compound heterozygous for the variant and an additional variant not yet curated by the ACADVL VCEP, c.1376G>A (PMID: 30194637). In this individual, the residual VLCAD activity in lymphocytes was 7% (PP4_moderate). This variant is absent from gnomAD v2.1.1 (PM2_Supporting). In summary, this variant meets the criteria to be classified as pathogenic for autosomal recessive VLCAD deficiency based on the ACMG/AMP criteria applied, as specified by the ClinGen ACADVL Variant Curation Expert Panel: PVS1, PM2_supporting, PP4_moderate. (VCEP specifications v2.0, approved on 09/16/2021)

NM_000018.4(ACADVL):c.277+1G>A

Gene: ACADVL (acyl-CoA dehydrogenase very long chain; plus strand). Cytogenetic location: 17p13.1.
Variant type: single nucleotide variant.
Coding change: c.277+1G>A on transcript NM_000018.4 (MANE Select); the canonical splice donor site of the intron after coding-DNA position 277, G replaced by A.
Molecular consequence: splice donor variant.
Genome position (GRCh38, 1-based): chr17:7,220,677, G>A. VCF-style: chr17-7220677-G-A. GRCh37 (hg19) VCF-style: chr17-7123996-G-A.
Other names: c.346+1G>A (NM_001270447.2); c.49+1G>A (NM_001270448.2); c.211+1G>A (NM_001033859.3).
Identifiers: ClinVar variation 1707707 (VCV001707707.2), dbSNP rs1057517012, ClinGen allele CA397722480.